The following is an entry in ClinVar:

ClinVar aggregate classification (germline): Uncertain significance (1 of 4 stars; one submission).

gnomAD v4.1: 2 of 1,550,170 alleles (0.00013%); highest among the groups gnomAD compares: East Asian, 0.0024%; no homozygotes.

Submission:

Ambry Genetics
Classification: Uncertain significance. Last evaluated: 2025-08-25. Review status: criteria provided, single submitter. Criteria: Ambry Variant Classification Scheme 2023. Collection method: clinical testing. Allele origin: germline.
Comment: The p.A1971S variant (also known as c.5911G>T), located in coding exon 23 of the WNK2 gene, results from a G to T substitution at nucleotide position 5911. The alanine at codon 1971 is replaced by serine, an amino acid with similar properties. This amino acid position is conserved. In addition, this alteration is predicted to be tolerated by in silico analysis. Based on the available evidence, the clinical significance of this variant remains unclear.

NM_006648.4(WNK2):c.5911G>T (p.Ala1971Ser)

Gene: WNK2 (WNK lysine deficient protein kinase 2; plus strand). Cytogenetic location: 9q22.31.
Variant type: single nucleotide variant.
Coding change: c.5911G>T on transcript NM_006648.4 (MANE Select); coding-DNA position 5911, G replaced by T.
Protein change: p.Ala1971Ser; replaces alanine 1971 with serine.
Molecular consequence: missense variant.
Genome position (GRCh38, 1-based): chr9:93,298,055, G>T. VCF-style: chr9-93298055-G-T. GRCh37 (hg19) VCF-style: chr9-96060337-G-T.
Other names: c.6022G>T, p.Ala2008Ser (NM_001282394.3); short protein forms A1971S, A2008S.
Identifiers: ClinVar variation 4201821 (VCV004201821.1).